The following is an entry in ClinVar:

ClinVar aggregate classification (germline): Uncertain significance (1 of 4 stars; one submission).

Conditions:
Familial adenomatous polyposis 1 (FAP1). Also called: POLYPOSIS, ADENOMATOUS INTESTINAL; FAMILIAL ADENOMATOUS POLYPOSIS 1, ATTENUATED. Identifiers: MedGen C2713442, MONDO:0021056, OMIM 175100. Disease mechanism: loss of function.

Submission:

Labcorp Genetics (formerly Invitae), Labcorp
Classification: Uncertain significance for Familial adenomatous polyposis 1. Last evaluated: 2022-07-15. Review status: criteria provided, single submitter. Criteria: Invitae Variant Classification Sherloc (09022015). Collection method: clinical testing. Allele origin: germline.
Comment: In summary, the available evidence is currently insufficient to determine the role of this variant in disease. Therefore, it has been classified as a Variant of Uncertain Significance. Algorithms developed to predict the effect of missense changes on protein structure and function are either unavailable or do not agree on the potential impact of this missense change (SIFT: "Deleterious"; PolyPhen-2: "Probably Damaging"; Align-GVGD: "Class C0"). This variant has not been reported in the literature in individuals affected with APC-related conditions. This variant is not present in population databases (gnomAD no frequency). This sequence change replaces leucine, which is neutral and non-polar, with isoleucine, which is neutral and non-polar, at codon 1382 of the APC protein (p.Leu1382Ile).

NM_000038.6(APC):c.4144C>A (p.Leu1382Ile)

Gene: APC (APC regulator of Wnt signaling pathway; plus strand). Cytogenetic location: 5q22.2.
Variant type: single nucleotide variant.
Coding change: c.4144C>A on transcript NM_000038.6 (MANE Select); coding-DNA position 4144, C replaced by A.
Protein change: p.Leu1382Ile; replaces leucine 1382 with isoleucine.
Molecular consequence: missense variant.
Genome position (GRCh38, 1-based): chr5:112,839,738, C>A. VCF-style: chr5-112839738-C-A. GRCh37 (hg19) VCF-style: chr5-112175435-C-A.
Other names: c.4144C>A, p.Leu1382Ile (NM_001127510.3, NM_001354895.2, NM_001407450.1); c.4090C>A, p.Leu1364Ile (NM_001127511.3); c.4198C>A, p.Leu1400Ile (NM_001354896.2, NM_001407447.1, NM_001407448.1 and 1 more transcripts); c.4174C>A, p.Leu1392Ile (NM_001354897.2); c.4069C>A, p.Leu1357Ile (NM_001354898.2); c.4060C>A, p.Leu1354Ile (NM_001354899.2); c.4021C>A, p.Leu1341Ile (NM_001354900.2); c.3967C>A, p.Leu1323Ile (NM_001354901.2, NM_001407453.1); and 11 more; short protein forms L1099I, L1222I, L1253I, L1256I, L1281I, L1291I, L1299I, L1323I.
Identifiers: ClinVar variation 1715114 (VCV001715114.6), dbSNP rs1420195332, ClinGen allele CA16030406.